The following is an entry in ClinVar:

NM_018979.4(WNK1):c.7064G>A (p.Gly2355Glu)

Gene: WNK1 (WNK lysine deficient protein kinase 1; plus strand). Cytogenetic location: 12p13.33.
Variant type: single nucleotide variant.
Coding change: c.7064G>A on transcript NM_018979.4 (MANE Select); coding-DNA position 7064, G replaced by A.
Protein change: p.Gly2355Glu; replaces glycine 2355 with glutamic acid.
Molecular consequence: missense variant.
Genome position (GRCh38, 1-based): chr12:908,707, G>A. VCF-style: chr12-908707-G-A. GRCh37 (hg19) VCF-style: chr12-1017873-G-A.
Other names: c.7844G>A, p.Gly2615Glu (NM_001184985.2); c.6320G>A, p.Gly2107Glu (NM_014823.3); c.7820G>A, p.Gly2607Glu (NM_213655.5); short protein forms G2107E, G2607E, G2355E, G2615E.
Identifiers: ClinVar variation 1475100 (VCV001475100.6), dbSNP rs1955903569, ClinGen allele CA383341335.

ClinVar aggregate classification (germline): Uncertain significance (1 of 4 stars; one submission).

Conditions:
Neuropathy, hereditary sensory and autonomic, type 2A (HSAN2A). Also called: ACROOSTEOLYSIS, GIACCAI TYPE; ACROOSTEOLYSIS, NEUROGENIC; MORVAN DISEASE; NEUROPATHY, CONGENITAL SENSORY; NEUROPATHY, HEREDITARY SENSORY RADICULAR, AUTOSOMAL RECESSIVE; NEUROPATHY, HEREDITARY SENSORY, TYPE IIA. Identifiers: Orphanet 970, MedGen C2752089, MONDO:0024309, OMIM 201300.
Pseudohypoaldosteronism type 2C (PHA2C). Also called: Pseudohypoaldosteronism Type IIC. Identifiers: Orphanet 757, Orphanet 88940, MedGen C1840391, MONDO:0013778, OMIM 614492.

Allele frequency attached by ClinVar (database versions not stated): TOPMed below 0.00001.
gnomAD v4.1: 1 of 1,614,176 alleles (0.000062%); highest among the groups gnomAD compares: Non-Finnish European, 0.000085%; no homozygotes.

Submission:

Labcorp Genetics (formerly Invitae), Labcorp
Classification: Uncertain significance for Neuropathy, hereditary sensory and autonomic, type 2A; Pseudohypoaldosteronism type 2C. Last evaluated: 2021-11-15. Review status: criteria provided, single submitter. Criteria: Invitae Variant Classification Sherloc (09022015). Collection method: clinical testing. Allele origin: germline.
Comment: Advanced modeling of protein sequence and biophysical properties (such as structural, functional, and spatial information, amino acid conservation, physicochemical variation, residue mobility, and thermodynamic stability) performed at Invitae indicates that this missense variant is not expected to disrupt WNK1 protein function. In summary, the available evidence is currently insufficient to determine the role of this variant in disease. Therefore, it has been classified as a Variant of Uncertain Significance. This variant has not been reported in the literature in individuals affected with WNK1-related conditions. This variant is not present in population databases (gnomAD no frequency). This sequence change replaces glycine, which is neutral and non-polar, with glutamic acid, which is acidic and polar, at codon 2607 of the WNK1 protein (p.Gly2607Glu).